The following is an entry in ClinVar:

NM_005378.6(MYCN):c.1305C>T (p.Ala435=)

Gene: MYCN (MYCN proto-oncogene, bHLH transcription factor; plus strand). Cytogenetic location: 2p24.3.
Variant type: single nucleotide variant.
Coding change: c.1305C>T on transcript NM_005378.6 (MANE Select); coding-DNA position 1305, C replaced by T.
Protein change: p.Ala435=; no amino-acid change (alanine 435 retained).
Molecular consequence: synonymous variant. On other transcripts: 3 prime UTR variant (1).
Genome position (GRCh38, 1-based): chr2:15,946,007, C>T. VCF-style: chr2-15946007-C-T. GRCh37 (hg19) VCF-style: chr2-16086129-C-T.
Other names: c.1305C>T, p.Ala435= (NM_001293228.2); c.672C>T, p.Ala224= (NM_001293231.2); c.*1240C>T (NM_001293233.2).
Identifiers: ClinVar variation 2650697 (VCV002650697.24), dbSNP rs780717638, ClinGen allele CA1538347.

ClinVar aggregate classification (germline): Likely benign (1 of 4 stars; one submission).

Allele frequency attached by ClinVar (database versions not stated): ExAC 0.00001; gnomAD 0.00001; gnomAD exomes 0.00001; TOPMed 0.00002.

Submission:

CeGaT Center for Human Genetics Tuebingen
Classification: Likely benign. Last evaluated: 2022-11-01. Review status: criteria provided, single submitter. Criteria: CeGaT Center For Human Genetics Tuebingen Variant Classification Criteria Version 2. Collection method: clinical testing. Allele origin: germline. Affected: yes. Observed: 1 variant allele.
Comment: MYCN: BP4, BP7